The following is an entry in ClinVar:

NM_000138.5(FBN1):c.991G>A (p.Val331Ile)

Genes: FBN1 (fibrillin 1; minus strand), LOC113939944 (Sharpr-MPRA regulatory region 9539; plus strand). Cytogenetic location: 15q21.1.
Variant type: single nucleotide variant.
Coding change: c.991G>A on transcript NM_000138.5 (MANE Select); coding-DNA position 991, G replaced by A.
Protein change: p.Val331Ile; replaces valine 331 with isoleucine.
Molecular consequence: missense variant.
Genome position (GRCh38, 1-based): chr15:48,520,815, C>T on the plus strand (G>A on the coding strand, the complement: FBN1 is on the minus strand). VCF-style: chr15-48520815-C-T. GRCh37 (hg19) VCF-style: chr15-48813012-C-T.
Other names: c.991G>A, p.Val331Ile (NM_001406716.1); short protein forms V331I.
Identifiers: ClinVar variation 2947658 (VCV002947658.4), dbSNP rs2505629441, ClinGen allele CA392347931.

ClinVar aggregate classification (germline): Uncertain significance. Review status: criteria provided, multiple submitters, no conflicts (2 of 4 stars). 2 submissions from 2 submitters: Uncertain significance (2). Last evaluated 2023-12-09.

Conditions:
Marfan syndrome (MFS). Also called: MARFAN SYNDROME, TYPE I; Marfan syndrome type 1; Marfan's syndrome; Marfan syndrome, classic; FBN1-Related Marfan Syndrome. Identifiers: Orphanet 284963, Orphanet 558, MedGen C0024796, MONDO:0007947, OMIM 154700.
Familial thoracic aortic aneurysm and aortic dissection (TAAD). Also called: Thoracic aortic aneurysms and dissections. Identifiers: Orphanet 91387, MedGen C4707243, MONDO:0019625.

Allele frequency attached by ClinVar (database versions not stated): gnomAD exomes 0.00001.
gnomAD v4.1: 3 of 1,614,110 alleles (0.00019%); highest among the groups gnomAD compares: Non-Finnish European, 0.00025%; no homozygotes.

Submissions (2):

Labcorp Genetics (formerly Invitae), Labcorp
Classification: Uncertain significance for Marfan syndrome; Familial thoracic aortic aneurysm and aortic dissection. Last evaluated: 2023-12-09. Review status: criteria provided, single submitter. Criteria: Invitae Variant Classification Sherloc (09022015). Collection method: clinical testing. Allele origin: germline.
Comment: This sequence change replaces valine, which is neutral and non-polar, with isoleucine, which is neutral and non-polar, at codon 331 of the FBN1 protein (p.Val331Ile). This variant is not present in population databases (gnomAD no frequency). This variant has not been reported in the literature in individuals affected with FBN1-related conditions. An algorithm developed to predict the effect of missense changes on protein structure and function (PolyPhen-2) suggests that this variant is likely to be tolerated. In summary, the available evidence is currently insufficient to determine the role of this variant in disease. Therefore, it has been classified as a Variant of Uncertain Significance.

All of Us Research Program, National Institutes of Health
Classification: Uncertain significance for Marfan syndrome. Last evaluated: 2023-11-02. Review status: criteria provided, single submitter. Criteria: ACMG Guidelines, 2015. Collection method: clinical testing. Allele origin: germline. Inheritance: Autosomal dominant inheritance. Observed: 1 variant allele, 1 heterozygote.
Comment: This missense variant replaces valine with isoleucine at codon 331 of the FBN1 protein. Computational prediction suggests that this variant may not impact protein structure and function (internally defined REVEL score threshold <= 0.5, PMID: 27666373). To our knowledge, functional studies have not been reported for this variant. This variant has not been reported in individuals affected with FBN1-related disorders in the literature. This variant has not been identified in the general population by the Genome Aggregation Database (gnomAD). The available evidence is insufficient to determine the role of this variant in disease conclusively. Therefore, this variant is classified as a Variant of Uncertain Significance.

This study involves interpretation of variants in research participants for the purpose of population health screening. Participant phenotype was not available at the time of variant classification. Additional details can be found in publication PMID: 35346344, PMCID: PMC8962531